The following is an entry in ClinVar:

NM_001330691.3(CEP78):c.233A>C (p.Gln78Pro)

Gene: CEP78 (centrosomal protein 78; plus strand). Cytogenetic location: 9q21.2.
Variant type: single nucleotide variant.
Coding change: c.233A>C on transcript NM_001330691.3 (MANE Select); coding-DNA position 233, A replaced by C.
Protein change: p.Gln78Pro; replaces glutamine 78 with proline.
Molecular consequence: missense variant.
Genome position (GRCh38, 1-based): chr9:78,236,583, A>C. VCF-style: chr9-78236583-A-C. GRCh37 (hg19) VCF-style: chr9-80851499-A-C.
Other names: c.233A>C, p.Gln78Pro (NM_001098802.3, NM_001330693.3, NM_001330694.2 and 4 more transcripts); short protein forms Q78P.
Identifiers: ClinVar variation 1361942 (VCV001361942.6), dbSNP rs2118048757, ClinGen allele CA373999533.

ClinVar aggregate classification (germline): Uncertain significance (1 of 4 stars; one submission).

Submission:

Labcorp Genetics (formerly Invitae), Labcorp
Classification: Uncertain significance. Last evaluated: 2024-09-03. Review status: criteria provided, single submitter. Criteria: Invitae Variant Classification Sherloc (09022015). Collection method: clinical testing. Allele origin: germline.
Comment: This sequence change replaces glutamine, which is neutral and polar, with proline, which is neutral and non-polar, at codon 78 of the CEP78 protein (p.Gln78Pro). This variant is not present in population databases (gnomAD no frequency). This variant has not been reported in the literature in individuals affected with CEP78-related conditions. ClinVar contains an entry for this variant (Variation ID: 1361942). Invitae Evidence Modeling of protein sequence and biophysical properties (such as structural, functional, and spatial information, amino acid conservation, physicochemical variation, residue mobility, and thermodynamic stability) indicates that this missense variant is not expected to disrupt CEP78 protein function with a negative predictive value of 80%. In summary, the available evidence is currently insufficient to determine the role of this variant in disease. Therefore, it has been classified as a Variant of Uncertain Significance.